The following is an entry in ClinVar:

ClinVar aggregate classification (germline): Uncertain significance (1 of 4 stars; one submission).

Submission:

Labcorp Genetics (formerly Invitae), Labcorp
Classification: Uncertain significance. Last evaluated: 2018-07-09. Review status: criteria provided, single submitter. Criteria: Invitae Variant Classification Sherloc (09022015). Collection method: clinical testing. Allele origin: germline.
Comment: In summary, the available evidence is currently insufficient to determine the role of this variant in disease. Therefore, it has been classified as a Variant of Uncertain Significance. Nucleotide substitutions within the consensus splice site are a relatively common cause of aberrant splicing (PMID: 17576681, 9536098). Algorithms developed to predict the effect of sequence changes on RNA splicing suggest that this variant is not likely to affect RNA splicing, but this prediction has not been confirmed by published transcriptional studies. This variant has not been reported in the literature in individuals with CTNNA1-related disease. This variant is not present in population databases (ExAC no frequency). This sequence change falls in intron 3 of the CTNNA1 gene. It does not directly change the encoded amino acid sequence of the CTNNA1 protein, but it affects a nucleotide within the consensus splice site of the intron.

Literature cited by the submitters: PubMed 17576681; PubMed 9536098.

NM_001903.5(CTNNA1):c.301+4G>C

Gene: CTNNA1 (catenin alpha 1; plus strand). Cytogenetic location: 5q31.2.
Variant type: single nucleotide variant.
Coding change: c.301+4G>C on transcript NM_001903.5 (MANE Select); 4 bases into the intron after coding-DNA position 301, G replaced by C.
Molecular consequence: intron variant.
Genome position (GRCh38, 1-based): chr5:138,783,376, G>C. VCF-style: chr5-138783376-G-C. GRCh37 (hg19) VCF-style: chr5-138119065-G-C.
Other names: c.301+4G>C (NM_001323982.2, NM_001323984.2, NM_001290307.3 and 3 more transcripts); c.-6+104G>C (NM_001290310.3); c.-9+1347G>C (NM_001290309.3).
Identifiers: ClinVar variation 640184 (VCV000640184.8), dbSNP rs1580984945, ClinGen allele CA915942588.